The following is an entry in ClinVar:

ClinVar aggregate classification (germline): Uncertain significance (1 of 4 stars; one submission).

Conditions:
Wilson disease (WND). Also called: Wilson's disease. Identifiers: Orphanet 905, MedGen C0019202, MONDO:0010200, OMIM 277900. Disease mechanism: loss of function.

Submission:

Juno Genomics, Hangzhou Juno Genomics, Inc
Classification: Uncertain significance for Wilson disease. Review status: criteria provided, single submitter. Criteria: ACMG Guidelines, 2015. Collection method: clinical testing. Allele origin: germline. Affected: yes.
Comment: For recessive disorders, detected in trans with a pathogenic variant.;Absent from controls (or at extremely low frequency if recessive) in Genome Aggregation Database, Exome Sequencing Project, 1000 Genomes Project, or Exome Aggregation Consortium.;Patient's phenotype or family history is highly specific for a disease with a single genetic etiology.;Novel missense change at an amino acid residue where a different missense change determined to be pathogenic has been seen before.

NM_000053.4(ATP7B):c.2230T>A (p.Ser744Thr)

Gene: ATP7B (ATPase copper transporting beta; minus strand). Cytogenetic location: 13q14.3.
Variant type: single nucleotide variant.
Coding change: c.2230T>A on transcript NM_000053.4 (MANE Select); coding-DNA position 2230, T replaced by A.
Protein change: p.Ser744Thr; replaces serine 744 with threonine.
Molecular consequence: missense variant. On other transcripts: intron variant (20).
Genome position (GRCh38, 1-based): chr13:51,958,436, A>T on the plus strand (T>A on the coding strand, the complement: ATP7B is on the minus strand). VCF-style: chr13-51958436-A-T. GRCh37 (hg19) VCF-style: chr13-52532572-A-T.
Other names: c.1897T>A, p.Ser633Thr (NM_001243182.2); c.1978T>A, p.Ser660Thr (NM_001330579.2, NM_001406531.1, NM_001406532.1 and 1 more transcripts); c.2230T>A, p.Ser744Thr (NM_001406511.1, NM_001406512.1, NM_001406513.1 and 7 more transcripts); c.2197T>A, p.Ser733Thr (NM_001406514.1); c.2134T>A, p.Ser712Thr (NM_001406517.1, NM_001406518.1); c.1801T>A, p.Ser601Thr (NM_001406539.1); c.1882T>A, p.Ser628Thr (NM_001406543.1); c.1870-829T>A (NM_001406541.1, NM_001005918.3, NM_001406546.1 and 1 more transcripts); and 8 more; short protein forms S601T, S628T, S633T, S660T, S712T, S733T, S744T.
Identifiers: ClinVar variation 3382677 (VCV003382677.2).